The following is an entry in ClinVar:

NM_052963.3(TOP1MT):c.671+4C>T

Gene: TOP1MT (DNA topoisomerase I mitochondrial; minus strand). Cytogenetic location: 8q24.3.
Variant type: single nucleotide variant.
Coding change: c.671+4C>T on transcript NM_052963.3 (MANE Select); 4 bases into the intron after coding-DNA position 671, C replaced by T.
Molecular consequence: intron variant.
Genome position (GRCh38, 1-based): chr8:143,325,342, G>A on the plus strand (C>T on the coding strand, the complement: TOP1MT is on the minus strand). VCF-style: chr8-143325342-G-A. GRCh37 (hg19) VCF-style: chr8-144407512-G-A.
Other names: c.377+4C>T (NM_001258447.1, NM_001258446.1).
Identifiers: ClinVar variation 2730536 (VCV002730536.3), dbSNP rs373786310, ClinGen allele CA4908751.
Genomic context (GRCh38, chr8:143,325,342, plus strand): 5'-AAAAGCCAGCCTCACCCGGGTGGCGGGGGTCCAGTGCCCGCCTGCTGCCCGCCCGGCCAC[G>A]CACCTGCTGCAGTTGATAACCACATCCTCTGGCGTGATCCTTCTCTTCAGCATCCCCATC-3'

ClinVar aggregate classification (germline): Uncertain significance (1 of 4 stars; one submission).

Allele frequency attached by ClinVar (database versions not stated): gnomAD 0.00005; TOPMed 0.00006; gnomAD exomes 0.00014; ExAC 0.00015; ESP Exome Variant Server 0.00015.
gnomAD v4.1: 214 of 1,581,732 alleles (0.014%); highest among the groups gnomAD compares: Non-Finnish European, 0.017%; 1 homozygote.

Submission:

Labcorp Genetics (formerly Invitae), Labcorp
Classification: Uncertain significance. Last evaluated: 2023-03-24. Review status: criteria provided, single submitter. Criteria: Invitae Variant Classification Sherloc (09022015). Collection method: clinical testing. Allele origin: germline.
Comment: This sequence change falls in intron 5 of the TOP1MT gene. It does not directly change the encoded amino acid sequence of the TOP1MT protein. It affects a nucleotide within the consensus splice site. This variant is present in population databases (rs373786310, gnomAD 0.02%). This variant has not been reported in the literature in individuals affected with TOP1MT-related conditions. Variants that disrupt the consensus splice site are a relatively common cause of aberrant splicing (PMID: 17576681, 9536098). Algorithms developed to predict the effect of sequence changes on RNA splicing suggest that this variant is not likely to affect RNA splicing. In summary, the available evidence is currently insufficient to determine the role of this variant in disease. Therefore, it has been classified as a Variant of Uncertain Significance.

Literature cited by the submitters: PubMed 17576681; PubMed 9536098.